The following is an entry in ClinVar:

NM_021930.6(RINT1):c.219A>T (p.Lys73Asn)

Gene: RINT1 (RAD50 interactor 1; plus strand). Cytogenetic location: 7q22.3.
Variant type: single nucleotide variant.
Coding change: c.219A>T on transcript NM_021930.6 (MANE Select); coding-DNA position 219, A replaced by T.
Protein change: p.Lys73Asn; replaces lysine 73 with asparagine.
Molecular consequence: missense variant. On other transcripts: 5 prime UTR variant (3), non-coding transcript variant (1), intron variant (1).
Genome position (GRCh38, 1-based): chr7:105,536,695, A>T. VCF-style: chr7-105536695-A-T. GRCh37 (hg19) VCF-style: chr7-105177142-A-T.
Other names: c.-801A>T (NM_001346600.2); c.-704A>T (NM_001346601.2); c.-324A>T (NM_001346603.2); c.39+83A>T (NM_001346599.2); short protein forms K73N.
Identifiers: ClinVar variation 646729 (VCV000646729.11), dbSNP rs987417898, ClinGen allele CA368800529.

ClinVar aggregate classification (germline): Conflicting classifications of pathogenicity. Review status: criteria provided, conflicting classifications (1 of 4 stars). 2 submissions from 2 submitters: Uncertain significance (1); Likely benign (1). Last evaluated 2026-01-05.

Allele frequency attached by ClinVar (database versions not stated): TOPMed 0.00001.
gnomAD v4.1: 2 of 1,612,672 alleles (0.00012%); highest among the groups gnomAD compares: Non-Finnish European, 0.000085%; no homozygotes.

Submissions (2):

Labcorp Genetics (formerly Invitae), Labcorp
Classification: Uncertain significance. Last evaluated: 2026-01-05. Review status: criteria provided, single submitter. Criteria: Invitae Variant Classification Sherloc (09022015). Collection method: clinical testing. Allele origin: germline.
Comment: This sequence change replaces lysine, which is basic and polar, with asparagine, which is neutral and polar, at codon 73 of the RINT1 protein (p.Lys73Asn). This variant is not present in population databases (gnomAD no frequency). This variant has not been reported in the literature in individuals affected with RINT1-related conditions. ClinVar contains an entry for this variant (Variation ID: 646729). An algorithm developed to predict the effect of missense changes on protein structure and function (PolyPhen-2) suggests that this variant is likely to be tolerated. In summary, the available evidence is currently insufficient to determine the role of this variant in disease. Therefore, it has been classified as a Variant of Uncertain Significance.

Ambry Genetics
Classification: Likely benign. Last evaluated: 2024-03-29. Review status: criteria provided, single submitter. Criteria: Ambry Variant Classification Scheme 2023. Collection method: clinical testing. Allele origin: germline.